The following is an entry in ClinVar:

ClinVar aggregate classification (germline): Conflicting classifications of pathogenicity. Review status: criteria provided, conflicting classifications (1 of 4 stars). 8 submissions from 8 submitters: Uncertain significance (2); Likely benign (5). 1 of the submissions does not count toward it. Last evaluated 2026-02-01.

Conditions:
PLEC-related disorder. Also called: PLEC-related condition; PLEC-related disorders.
Epidermolysis bullosa simplex, Ogna type (EBS5A). Also called: Pidermolysis bullosa simplex 5A, Ogna type; EPIDERMOLYSIS BULLOSA SIMPLEX 5A, OGNA TYPE. Identifiers: Orphanet 79401, MedGen C0432317, MONDO:0007555, OMIM 131950.
Epidermolysis bullosa simplex with nail dystrophy (EBS5D). Identifiers: MedGen C4225309, MONDO:0014661, OMIM 616487.
Autosomal recessive limb-girdle muscular dystrophy type 2Q (LGMDR17). Also called: MUSCULAR DYSTROPHY, LIMB-GIRDLE, AUTOSOMAL RECESSIVE 17. Identifiers: Orphanet 254361, MedGen C3150989, MONDO:0013390, OMIM 613723.
Epidermolysis bullosa simplex 5C, with pyloric atresia (EBS5C). Also called: PLEC-Related Epidermolysis Bullosa with Pyloric Atresia; PLEC1-Related Epidermolysis Bullosa with Pyloric Atresia; Epidermolysis bullosa simplex with pyloric atresia. Identifiers: Orphanet 158684, MedGen C2677349, MONDO:0012807, OMIM 612138.
Epidermolysis bullosa simplex 5B, with muscular dystrophy (EBS5B). Also called: EPIDERMOLYSIS BULLOSA SIMPLEX AND LIMB-GIRDLE MUSCULAR DYSTROPHY; Epidermolysis bullosa simplex with muscular dystrophy. Identifiers: Orphanet 257, MedGen C2931072, MONDO:0009181, OMIM 226670.
Inborn genetic diseases. Identifiers: MedGen C0950123, MeSH D030342.

Allele frequency attached by ClinVar (database versions not stated): ESP Exome Variant Server 0.00049; 1000 Genomes Project 30x 0.00062; gnomAD 0.00098 and 0.00107; TOPMed 0.00105; gnomAD exomes 0.00009 and 0.00017; 1000 Genomes Project 0.00020; ExAC 0.00024.
gnomAD v4.1: 283 of 1,567,488 alleles (0.018%); highest among the groups gnomAD compares: African/African-American, 0.32%; no homozygotes.

Submissions (8):

Labcorp Genetics (formerly Invitae), Labcorp
Classification: Likely benign for Autosomal recessive limb-girdle muscular dystrophy type 2Q; Epidermolysis bullosa simplex, Ogna type; Epidermolysis bullosa simplex with nail dystrophy; Epidermolysis bullosa simplex 5C, with pyloric atresia; Epidermolysis bullosa simplex 5B, with muscular dystrophy. Last evaluated: 2026-02-01. Review status: criteria provided, single submitter. Criteria: Invitae Variant Classification Sherloc (09022015). Collection method: clinical testing. Allele origin: germline.

Blueprint Genetics
Classification: Likely benign. Last evaluated: 2024-06-10. Review status: criteria provided, single submitter. Criteria: ACMG Guidelines, 2015. Collection method: clinical testing. Allele origin: germline.

Ambry Genetics
Classification: Likely benign for Inborn genetic diseases. Last evaluated: 2023-04-18. Review status: criteria provided, single submitter. Criteria: Ambry Variant Classification Scheme 2023. Collection method: clinical testing. Allele origin: germline.

Revvity Omics, Revvity
Classification: Likely benign. Last evaluated: 2023-03-10. Review status: criteria provided, single submitter. Criteria: ACMG Guidelines, 2015. Collection method: clinical testing. Allele origin: germline.

Athena Diagnostics
Classification: Likely benign. Last evaluated: 2019-10-28. Review status: criteria provided, single submitter. Criteria: Athena Diagnostics Criteria. Collection method: clinical testing. Allele origin: unknown.

Eurofins Ntd Llc (ga)
Classification: Uncertain significance. Last evaluated: 2017-01-03. Review status: criteria provided, single submitter. Criteria: EGL Classification Definitions 2015. Collection method: clinical testing. Allele origin: germline. Observed: 4 variant alleles, 4 heterozygotes.

Genetic Services Laboratory, University of Chicago
Classification: Uncertain significance. Last evaluated: 2015-11-13. Review status: criteria provided, single submitter. Criteria: ACMG Guidelines, 2015. Collection method: clinical testing. Allele origin: germline. Affected: no.

PreventionGenetics, part of Exact Sciences
Classification: Likely benign for PLEC-related condition. Last evaluated: 2023-09-07. Review status: no assertion criteria provided. Collection method: clinical testing. Allele origin: germline. Not counted in ClinVar's aggregate classification.
Comment: This variant is classified as likely benign based on ACMG/AMP sequence variant interpretation guidelines (Richards et al. 2015 PMID: 25741868, with internal and published modifications).

NM_201384.3(PLEC):c.3070G>A (p.Ala1024Thr)

Gene: PLEC (plectin; minus strand). Cytogenetic location: 8q24.3.
Variant type: single nucleotide variant.
Coding change: c.3070G>A on transcript NM_201384.3 (MANE Select); coding-DNA position 3070, G replaced by A.
Protein change: p.Ala1024Thr; replaces alanine 1024 with threonine.
Molecular consequence: missense variant.
Genome position (GRCh38, 1-based): chr8:143,929,425, C>T on the plus strand (G>A on the coding strand, the complement: PLEC is on the minus strand). VCF-style: chr8-143929425-C-T. GRCh37 (hg19) VCF-style: chr8-145003593-C-T.
Other names: c.3151G>A, p.Ala1051Thr (NM_000445.5); c.3028G>A, p.Ala1010Thr (NM_201378.4); c.3004G>A, p.Ala1002Thr (NM_201379.3); c.3481G>A, p.Ala1161Thr (NM_201380.4); c.2974G>A, p.Ala992Thr (NM_201381.3); c.3070G>A, p.Ala1024Thr (NM_201382.4); c.3082G>A, p.Ala1028Thr (NM_201383.3); short protein forms A1002T, A1010T, A1024T, A1028T, A1051T, A1161T, A992T.
Identifiers: ClinVar variation 436331 (VCV000436331.29), dbSNP rs376665854, ClinGen allele CA4927240.